The following is an entry in ClinVar:

NM_203446.3(SYNJ1):c.-55C>G

Gene: SYNJ1 (synaptojanin 1; minus strand). Cytogenetic location: 21q22.11.
Variant type: single nucleotide variant.
Coding change: c.-55C>G on transcript NM_203446.3 (MANE Select); 55 bases upstream of the start codon, C replaced by G.
Molecular consequence: 5 prime UTR variant. On other transcripts: missense variant (1).
Genome position (GRCh38, 1-based): chr21:32,727,978, G>C on the plus strand (C>G on the coding strand, the complement: SYNJ1 is on the minus strand). VCF-style: chr21-32727978-G-C. GRCh37 (hg19) VCF-style: chr21-34100289-G-C.
Other names: c.63C>G, p.Cys21Trp (NM_003895.4); short protein forms C21W.
Identifiers: ClinVar variation 1516899 (VCV001516899.8), dbSNP rs1569146878, ClinGen allele CA410078732.
Genomic context (GRCh38, chr21:32,727,978, plus strand): 5'-GCTCCCCGCCCCCCGCCGGCTTGCTCACCTCTTCCTCCGGCTCCTCCTCCTCCTTCTCCC[G>C]CAGCCGCCGCCACAGCCGCCGGGAGCGTCACTTCCGCTCCAGCAGGCCCATCTCTTCCGC-3'

ClinVar aggregate classification (germline): Uncertain significance (1 of 4 stars; one submission).

Conditions:
Developmental and epileptic encephalopathy, 53. Also called: Epileptic encephalopathy, early infantile, 53. Identifiers: MedGen C4479313, MONDO:0033362, OMIM 617389.
Early-onset Parkinson disease 20. Also called: PARKINSON DISEASE 20, AUTOSOMAL RECESSIVE EARLY-ONSET. Identifiers: Orphanet 391411, MedGen C3809824, MONDO:0014233, OMIM 615530.

Submission:

Labcorp Genetics (formerly Invitae), Labcorp
Classification: Uncertain significance for Developmental and epileptic encephalopathy, 53; Early-onset Parkinson disease 20. Last evaluated: 2020-11-23. Review status: criteria provided, single submitter. Criteria: Invitae Variant Classification Sherloc (09022015). Collection method: clinical testing. Allele origin: germline.
Comment: In summary, the available evidence is currently insufficient to determine the role of this variant in disease. Therefore, it has been classified as a Variant of Uncertain Significance. Algorithms developed to predict the effect of missense changes on protein structure and function are either unavailable or do not agree on the potential impact of this missense change (SIFT: "Deleterious"; PolyPhen-2: "Benign"; Align-GVGD: "Class C0"). This variant has not been reported in the literature in individuals with SYNJ1-related conditions. The frequency data for this variant in the population databases is considered unreliable, as metrics indicate insufficient coverage at this position in the ExAC database. This sequence change replaces cysteine with tryptophan at codon 21 of the SYNJ1 protein (p.Cys21Trp). The cysteine residue is weakly conserved and there is a large physicochemical difference between cysteine and tryptophan.